The following is an entry in ClinVar:

ClinVar aggregate classification (germline): Pathogenic (1 of 4 stars; one submission).

Conditions:
Bardet-Biedl syndrome (BBS). Identifiers: Orphanet 110, MedGen C0752166, MONDO:0015229.

Submission:

Labcorp Genetics (formerly Invitae), Labcorp
Classification: Pathogenic for Bardet-Biedl syndrome. Last evaluated: 2023-02-10. Review status: criteria provided, single submitter. Criteria: Invitae Variant Classification Sherloc (09022015). Collection method: clinical testing. Allele origin: unknown.
Comment: This variant is a gross deletion of the genomic region encompassing exon(s) 14-18 of the BBS7 gene. While this deletion is not anticipated to lead to nonsense mediated decay, it is expected to disrupt the C-terminus of the protein. This variant has not been reported in the literature in individuals affected with BBS7-related conditions. This variant disrupts a region of the BBS7 protein in which other variant(s) (p.Gln657Argfs*17) have been determined to be pathogenic (PMID: 33138063). This suggests that this is a clinically significant region of the protein, and that variants that disrupt it are likely to be disease-causing. For these reasons, this variant has been classified as Pathogenic.

Literature cited by the submitters: PubMed 33138063.

NC_000004.11:g.(?_122749281)_(122756458_?)del

Gene: BBS7 (Bardet-Biedl syndrome 7; minus strand). Cytogenetic location: 4q27.
Variant type: Deletion.
Identifiers: ClinVar variation 3246648 (VCV003246648.1).